The following is an entry in ClinVar:

NM_016333.4(SRRM2):c.5150G>A (p.Arg1717His)

Gene: SRRM2 (serine/arginine repetitive matrix 2; plus strand). Cytogenetic location: 16p13.3.
Variant type: single nucleotide variant.
Coding change: c.5150G>A on transcript NM_016333.4 (MANE Select); coding-DNA position 5150, G replaced by A.
Protein change: p.Arg1717His; replaces arginine 1717 with histidine.
Molecular consequence: missense variant.
Genome position (GRCh38, 1-based): chr16:2,765,678, G>A. VCF-style: chr16-2765678-G-A. GRCh37 (hg19) VCF-style: chr16-2815679-G-A.
Other names: short protein forms R1717H.
Identifiers: ClinVar variation 2352900 (VCV002352900.2), dbSNP rs140673352, ClinGen allele CA7848413.

ClinVar aggregate classification (germline): Uncertain significance (1 of 4 stars; one submission).

Conditions:
Inborn genetic diseases. Identifiers: MedGen C0950123, MeSH D030342.

Allele frequency attached by ClinVar (database versions not stated): ESP Exome Variant Server 0.00008; ExAC 0.00012; TOPMed 0.00017; gnomAD 0.00018.

Submission:

Ambry Genetics
Classification: Uncertain significance for Inborn genetic diseases. Last evaluated: 2022-12-05. Review status: criteria provided, single submitter. Criteria: Ambry Variant Classification Scheme 2023. Collection method: clinical testing. Allele origin: germline.
Comment: The c.5150G>A (p.R1717H) alteration is located in exon 11 (coding exon 10) of the SRRM2 gene. This alteration results from a G to A substitution at nucleotide position 5150, causing the arginine (R) at amino acid position 1717 to be replaced by a histidine (H). The alteration is predicted benign by in silico models:_x000D_ _x000D_ The p.R1717H alteration is predicted to be benign by Polyphen and tolerated by SIFT in silico analyses. Based on insufficient or conflicting evidence, the clinical significance of this alteration remains unclear.